The following is an entry in ClinVar:

NM_014920.5(CILK1):c.1687G>T (p.Glu563Ter)

Gene: CILK1 (ciliogenesis associated kinase 1; minus strand). Cytogenetic location: 6p12.1.
Variant type: single nucleotide variant.
Coding change: c.1687G>T on transcript NM_014920.5 (MANE Select); coding-DNA position 1687, G replaced by T.
Protein change: p.Glu563Ter; replaces glutamic acid 563 with a stop codon.
Molecular consequence: nonsense. On other transcripts: non-coding transcript variant (1).
Genome position (GRCh38, 1-based): chr6:53,006,372, C>A on the plus strand (G>T on the coding strand, the complement: CILK1 is on the minus strand). VCF-style: chr6-53006372-C-A. GRCh37 (hg19) VCF-style: chr6-52871170-C-A.
Other names: c.1708G>T, p.Glu570Ter (NM_001375397.1); c.1687G>T, p.Glu563Ter (NM_001375398.1, NM_001375399.1, NM_001375400.1 and 3 more transcripts); short protein forms E563*, E570*.
Identifiers: ClinVar variation 500316 (VCV000500316.6), dbSNP rs1385476388, ClinGen allele CA364465773.

ClinVar aggregate classification (germline): Uncertain significance. Review status: criteria provided, multiple submitters, no conflicts (2 of 4 stars). 2 submissions from 2 submitters: Uncertain significance (2). Last evaluated 2024-06-28.

Allele frequency attached by ClinVar (database versions not stated): gnomAD exomes below 0.00001.
gnomAD v4.1: 1 of 1,613,930 alleles (0.000062%); highest among the groups gnomAD compares: Admixed American, 0.0017%; no homozygotes.

Submissions (2):

Women's Health and Genetics/Laboratory Corporation of America, LabCorp
Classification: Uncertain significance. Last evaluated: 2024-06-28. Review status: criteria provided, single submitter. Criteria: LabCorp Variant Classification Summary - May 2015. Collection method: clinical testing. Allele origin: germline.
Comment: Variant summary: CILK1 c.1687G>T (p.Glu563X) results in a premature termination codon, predicted to cause a truncation of the encoded protein or absence of the protein due to nonsense mediated decay, however current evidence is not sufficient to establish loss-of-function variants in CILK1 as causative of disease. The variant allele was found at a frequency of 4e-06 in 251386 control chromosomes (gnomAD). The available data on variant occurrences in the general population are insufficient to allow any conclusion about variant significance. To our knowledge, no occurrence of c.1687G>T in individuals affected with CILK1-Related Disorders and no experimental evidence demonstrating its impact on protein function have been reported. ClinVar contains an entry for this variant (Variation ID: 500316). Based on the evidence outlined above, the variant was classified as uncertain significance.

Eurofins Ntd Llc (ga)
Classification: Uncertain significance. Last evaluated: 2017-02-02. Review status: criteria provided, single submitter. Criteria: EGL Classification Definitions 2015. Collection method: clinical testing. Allele origin: germline. Observed: 1 variant allele, 1 heterozygote.